The following is an entry in ClinVar:

NM_052859.4(RFT1):c.*2433C>T

Gene: RFT1 (RFT1 glycolipid translocator homolog; minus strand). Cytogenetic location: 3p21.1.
Variant type: single nucleotide variant.
Coding change: c.*2433C>T on transcript NM_052859.4 (MANE Select); 2433 bases downstream of the stop codon, C replaced by T.
Molecular consequence: 3 prime UTR variant.
Genome position (GRCh38, 1-based): chr3:53,089,470, G>A on the plus strand (C>T on the coding strand, the complement: RFT1 is on the minus strand). VCF-style: chr3-53089470-G-A. GRCh37 (hg19) VCF-style: chr3-53123486-G-A.
Identifiers: ClinVar variation 346151 (VCV000346151.6), dbSNP rs1078968, ClinGen allele CA10619259.
Genomic context (GRCh38, chr3:53,089,470, plus strand): 5'-TGTTTCCATGGAGAAGTAGCCTCACTATAAGTGGTATTGAAAGCCAAAAGTATGATTTCT[G>A]CTCCCCAAATCCACTTGGGTAAAGTGAGGCAGGCTGGCCCACATGTATGCAAGCTCCCTG-3'

ClinVar aggregate classification (germline): Benign. Review status: criteria provided, multiple submitters, no conflicts (2 of 4 stars). 2 submissions from 2 submitters: Benign (2). Last evaluated 2018-01-13.

Conditions:
RFT1-congenital disorder of glycosylation (CDG1N). Also called: Congenital disorder of glycosylation type In; CDG In; RFT1-CDG. Identifiers: Orphanet 244310, MedGen C2677590, MONDO:0012783, OMIM 612015.

Allele frequency attached by ClinVar (database versions not stated): gnomAD 0.47710 and 0.48279; TOPMed 0.47981; 1000 Genomes Project 30x 0.48017; 1000 Genomes Project 0.49042; gnomAD exomes 0.50000.
gnomAD v4.1: 73,705 of 152,030 alleles (48%); highest among the groups gnomAD compares: East Asian, 73%; 19,749 homozygotes.

Submissions (2):

Illumina Laboratory Services, Illumina
Classification: Benign for RFT1-congenital disorder of glycosylation. Last evaluated: 2018-01-13. Review status: criteria provided, single submitter. Criteria: ICSL Variant Classification Criteria 13 December 2019. Collection method: clinical testing. Allele origin: germline.
Comment: This variant was observed in the ICSL laboratory as part of a predisposition screen in an ostensibly healthy population. It had not been previously curated by ICSL or reported in the Human Gene Mutation Database (HGMD: prior to June 1st, 2018), and was therefore a candidate for classification through an automated scoring system. Utilizing variant allele frequency, disease prevalence and penetrance estimates, and inheritance mode, an automated score was calculated to assess if this variant is too frequent to cause the disease. Based on the score and internal cut-off values, a variant classified as benign is not then subjected to further curation. The score for this variant resulted in a classification of benign for this disease.

Breakthrough Genomics
Classification: Benign. Review status: criteria provided, single submitter. Criteria: ACMG Guidelines, 2015. Collection method: not provided. Allele origin: germline. Inheritance: Autosomal recessive inheritance. Affected: yes.